The following is an entry in ClinVar:

ClinVar aggregate classification (germline): Uncertain significance. Review status: criteria provided, multiple submitters, no conflicts (2 of 4 stars). 2 submissions from 2 submitters: Uncertain significance (2). Last evaluated 2025-10-26.

Conditions:
Inborn genetic diseases. Identifiers: MedGen C0950123, MeSH D030342.

Allele frequency attached by ClinVar (database versions not stated): TOPMed 0.00008; gnomAD exomes 0.00004; ESP Exome Variant Server 0.00008; ExAC 0.00012; gnomAD 0.00005.
gnomAD v4.1: 64 of 1,613,988 alleles (0.004%); highest among the groups gnomAD compares: Middle Eastern, 0.066%; 1 homozygote.

Submissions (2):

Mayo Clinic Laboratories, Mayo Clinic
Classification: Uncertain significance. Last evaluated: 2025-10-26. Review status: criteria provided, single submitter. Criteria: ACMG Guidelines, 2015. Collection method: clinical testing. Allele origin: germline. Observed: 2 variant alleles.
Comment: BP4_moderate

Ambry Genetics
Classification: Uncertain significance for Inborn genetic diseases. Last evaluated: 2022-01-26. Review status: criteria provided, single submitter. Criteria: Ambry Variant Classification Scheme 2023. Collection method: clinical testing. Allele origin: germline.

NM_017414.4(USP18):c.5G>A (p.Ser2Asn)

Gene: USP18 (ubiquitin specific peptidase 18; plus strand). Cytogenetic location: 22q11.21.
Variant type: single nucleotide variant.
Coding change: c.5G>A on transcript NM_017414.4 (MANE Select); coding-DNA position 5, G replaced by A.
Protein change: p.Ser2Asn; replaces serine 2 with asparagine.
Molecular consequence: missense variant.
Genome position (GRCh38, 1-based): chr22:18,157,668, G>A. VCF-style: chr22-18157668-G-A. GRCh37 (hg19) VCF-style: chr22-18640435-G-A.
Other names: p.Ser2Asn; short protein forms S2N.
Identifiers: ClinVar variation 2378674 (VCV002378674.3), dbSNP rs138630486, ClinGen allele CA10093921.
Genomic context (GRCh38, chr22:18,157,668, plus strand): 5'-GCTGTCCTGAACGCGGGCCAGGCAGCTGCGGCCTGGGGGTTTTGGAGTGATCACGAATGA[G>A]CAAGGCGTTTGGGCTCCTGAGGCAAATCTGTCAGTCCATCCTGGCTGAGTCCTCGCAGTC-3'
Protein context (NP_059110.2, residues 1-12): M[Ser2Asn]KAFGLLRQIC